The following is an entry in ClinVar:

ClinVar aggregate classification (germline): Likely benign. Review status: criteria provided, single submitter (1 of 4 stars). 2 submissions from 2 submitters: Likely benign (1). 1 of the submissions does not count toward it. Last evaluated 2025-08-14.

Conditions:
PXDN-related disorder. Also called: PXDN-related condition.
Anterior segment dysgenesis 7 (ASGD7). Also called: SCLEROCORNEA WITH OTHER OCULAR ANOMALIES; Anterior segment dysgenesis 7, with sclerocornea. Identifiers: Orphanet 289499, MedGen C3151617, MONDO:0010015, OMIM 269400.

Allele frequency attached by ClinVar (database versions not stated): gnomAD 0.00001; gnomAD exomes 0.00002; TOPMed 0.00002.
gnomAD v4.1: 28 of 1,594,276 alleles (0.0018%); highest among the groups gnomAD compares: Non-Finnish European, 0.0023%; no homozygotes.

Submissions (2):

Labcorp Genetics (formerly Invitae), Labcorp
Classification: Likely benign for Anterior segment dysgenesis 7. Last evaluated: 2025-08-14. Review status: criteria provided, single submitter. Criteria: Invitae Variant Classification Sherloc (09022015). Collection method: clinical testing. Allele origin: germline.

PreventionGenetics, part of Exact Sciences
Classification: Likely benign for PXDN-related condition. Last evaluated: 2022-04-25. Review status: no assertion criteria provided. Collection method: clinical testing. Allele origin: germline. Not counted in ClinVar's aggregate classification.
Comment: This variant is classified as likely benign based on ACMG/AMP sequence variant interpretation guidelines (Richards et al. 2015 PMID: 25741868, with internal and published modifications).

NM_012293.3(PXDN):c.3642T>C (p.Phe1214=)

Gene: PXDN (peroxidasin; minus strand). Cytogenetic location: 2p25.3.
Variant type: single nucleotide variant.
Coding change: c.3642T>C on transcript NM_012293.3 (MANE Select); coding-DNA position 3642, T replaced by C.
Protein change: p.Phe1214=; no amino-acid change (phenylalanine 1214 retained).
Molecular consequence: synonymous variant.
Genome position (GRCh38, 1-based): chr2:1,644,719, A>G on the plus strand (T>C on the coding strand, the complement: PXDN is on the minus strand). VCF-style: chr2-1644719-A-G. GRCh37 (hg19) VCF-style: chr2-1648491-A-G.
Identifiers: ClinVar variation 711012 (VCV000711012.10), dbSNP rs544242132, ClinGen allele CA1512667.
Genomic context (GRCh38, chr2:1,644,719, plus strand): 5'-ACACATCAGGGTGGGGCCCAGCCGGCTGCCAGGCACCAGGTCCTCCACCACGAGCGCCGG[A>G]AACAGGTCGATGTTGAGTGTCGAGCCATACAACCTAAAAAATAAAGAGAAAACTGAAATC-3'
Protein context (NP_036425.1, residues 1204-1224): LYGSTLNIDL[Phe1214=]PALVVEDLVP